The following is an entry in ClinVar:

NM_001130987.2(DYSF):c.2217-11G>A

Gene: DYSF (dysferlin; plus strand). Cytogenetic location: 2p13.2.
Variant type: single nucleotide variant.
Coding change: c.2217-11G>A on transcript NM_001130987.2 (MANE Select); 11 bases into the intron before coding-DNA position 2217, G replaced by A.
Molecular consequence: intron variant.
Genome position (GRCh38, 1-based): chr2:71,561,741, G>A. VCF-style: chr2-71561741-G-A. GRCh37 (hg19) VCF-style: chr2-71788871-G-A.
Other names: c.2256-11G>A (NM_001130979.2); c.2214-11G>A (NM_001130981.2, NM_001130980.2); c.2163-11G>A (NM_001130978.2, NM_003494.4); c.2121-11G>A (NM_001130977.2, NM_001130976.2); c.2259-11G>A (NM_001130982.2); c.2217-11G>A (NM_001130985.2); c.2166-11G>A (NM_001130983.2, NM_001130455.2); c.2124-11G>A (NM_001130984.2, NM_001130986.2).
Identifiers: ClinVar variation 94285 (VCV000094285.18), dbSNP rs200853014, ClinGen allele CA222136.

ClinVar aggregate classification (germline): Conflicting classifications of pathogenicity. Review status: criteria provided, conflicting classifications (1 of 4 stars). 5 submissions from 5 submitters: Uncertain significance (2); Benign (1); Likely benign (2). Last evaluated 2026-01-28.

Conditions:
Neuromuscular disease caused by qualitative or quantitative defects of dysferlin. Also called: Dysferlinopathy; Qualitative or quantitative defects of dysferlin. Identifiers: Orphanet 207073, MedGen C2931687, MONDO:0016145.

Allele frequency attached by ClinVar (database versions not stated): ESP Exome Variant Server 0.00008; gnomAD 0.00026; TOPMed 0.00043; gnomAD exomes 0.00059 and 0.00109; ExAC 0.00116; 1000 Genomes Project 30x 0.00250; 1000 Genomes Project 0.00260.
gnomAD v4.1: 980 of 1,614,104 alleles (0.061%); highest among the groups gnomAD compares: South Asian, 0.55%; 8 homozygotes.

Submissions (5):

Labcorp Genetics (formerly Invitae), Labcorp
Classification: Benign for Neuromuscular disease caused by qualitative or quantitative defects of dysferlin. Last evaluated: 2026-01-28. Review status: criteria provided, single submitter. Criteria: Invitae Variant Classification Sherloc (09022015). Collection method: clinical testing. Allele origin: germline.

Blueprint Genetics
Classification: Likely benign. Last evaluated: 2024-11-25. Review status: criteria provided, single submitter. Criteria: ACMG Guidelines, 2015. Collection method: clinical testing. Allele origin: germline.

Illumina Laboratory Services, Illumina
Classification: Uncertain significance for Qualitative or quantitative defects of dysferlin. Last evaluated: 2018-01-13. Review status: criteria provided, single submitter. Criteria: ICSL Variant Classification Criteria 13 December 2019. Collection method: clinical testing. Allele origin: germline.

GeneDx
Classification: Likely benign. Last evaluated: 2017-10-26. Review status: criteria provided, single submitter. Criteria: GeneDx Variant Classification (06012015). Collection method: clinical testing. Allele origin: germline. Affected: yes.
Comment: This variant is considered likely benign or benign based on one or more of the following criteria: it is a conservative change, it occurs at a poorly conserved position in the protein, it is predicted to be benign by multiple in silico algorithms, and/or has population frequency not consistent with disease.

Eurofins Ntd Llc (ga)
Classification: Uncertain significance. Last evaluated: 2012-08-15. Review status: criteria provided, single submitter. Criteria: EGL Classification Definitions 2015. Collection method: clinical testing. Allele origin: germline. Observed: 1 variant allele, 1 heterozygote.